The following is an entry in ClinVar:

ClinVar aggregate classification (germline): Likely benign (1 of 4 stars; one submission).

Submission:

CeGaT Center for Human Genetics Tuebingen
Classification: Likely benign. Last evaluated: 2026-04-01. Review status: criteria provided, single submitter. Criteria: CeGaT Center For Human Genetics Tuebingen Variant Classification Criteria Version 2. Collection method: clinical testing. Allele origin: germline. Affected: yes. Observed: 1 variant allele.
Comment: KDM6B: BP4

NM_001348716.2(KDM6B):c.237-3T>C

Gene: KDM6B (lysine demethylase 6B; plus strand). Cytogenetic location: 17p13.1.
Variant type: single nucleotide variant.
Coding change: c.237-3T>C on transcript NM_001348716.2 (MANE Select); 3 bases into the intron before coding-DNA position 237, T replaced by C.
Molecular consequence: intron variant.
Genome position (GRCh38, 1-based): chr17:7,846,075, T>C. VCF-style: chr17-7846075-T-C. GRCh37 (hg19) VCF-style: chr17-7749393-T-C.
Other names: c.237-3T>C (NM_001080424.2).
Identifiers: ClinVar variation 4873987 (VCV004873987.2).